The following is an entry in ClinVar:

ClinVar aggregate classification (germline): Uncertain significance (1 of 4 stars; one submission).

Submission:

GeneDx
Classification: Uncertain significance. Last evaluated: 2026-02-24. Review status: criteria provided, single submitter. Criteria: GeneDx Variant Classification Process June 2021. Collection method: clinical testing. Allele origin: germline.
Comment: Not observed at significant frequency in large population cohorts (gnomAD); In silico analysis supports that this missense variant has a deleterious effect on protein structure/function; Has not been previously published as pathogenic or benign to our knowledge

NM_001148.6(ANK2):c.9788G>C (p.Arg3263Thr)

Gene: ANK2 (ankyrin 2; plus strand). Cytogenetic location: 4q26.
Variant type: single nucleotide variant.
Coding change: c.9788G>C on transcript NM_001148.6 (MANE Select); coding-DNA position 9788, G replaced by C.
Protein change: p.Arg3263Thr; replaces arginine 3263 with threonine.
Molecular consequence: missense variant. On other transcripts: intron variant (68).
Genome position (GRCh38, 1-based): chr4:113,358,406, G>C. VCF-style: chr4-113358406-G-C. GRCh37 (hg19) VCF-style: chr4-114279562-G-C.
Other names: c.9554G>C, p.Arg3185Thr (NM_001386142.1); c.6188G>C, p.Arg2063Thr (NM_001386166.1); c.9929G>C, p.Arg3310Thr (NM_001386174.1); c.9905G>C, p.Arg3302Thr (NM_001386175.1); c.4412-2417G>C (NM_001386186.2, NM_001386148.2); c.4214-2417G>C (NM_001354269.3); c.4292-2417G>C (NM_001386187.2); c.4253-2417G>C (NM_001386147.1); and 35 more; short protein forms R2063T, R3185T, R3263T, R3302T, R3310T.
Identifiers: ClinVar variation 4976289 (VCV004976289.1).